The following is an entry in ClinVar:

ClinVar aggregate classification (germline): Uncertain significance (1 of 4 stars; one submission).

Conditions:
Epidermolysis bullosa simplex with nail dystrophy (EBS5D). Identifiers: MedGen C4225309, MONDO:0014661, OMIM 616487.
Epidermolysis bullosa simplex 5C, with pyloric atresia (EBS5C). Also called: PLEC-Related Epidermolysis Bullosa with Pyloric Atresia; Epidermolysis bullosa simplex with pyloric atresia; PLEC1-Related Epidermolysis Bullosa with Pyloric Atresia. Identifiers: Orphanet 158684, MedGen C2677349, MONDO:0012807, OMIM 612138.
Autosomal recessive limb-girdle muscular dystrophy type 2Q (LGMDR17). Also called: MUSCULAR DYSTROPHY, LIMB-GIRDLE, AUTOSOMAL RECESSIVE 17. Identifiers: Orphanet 254361, MedGen C3150989, MONDO:0013390, OMIM 613723.
Epidermolysis bullosa simplex, Ogna type (EBS5A). Also called: Pidermolysis bullosa simplex 5A, Ogna type; EPIDERMOLYSIS BULLOSA SIMPLEX 5A, OGNA TYPE. Identifiers: Orphanet 79401, MedGen C0432317, MONDO:0007555, OMIM 131950.
Epidermolysis bullosa simplex 5B, with muscular dystrophy (EBS5B). Also called: EPIDERMOLYSIS BULLOSA SIMPLEX AND LIMB-GIRDLE MUSCULAR DYSTROPHY; Epidermolysis bullosa simplex with muscular dystrophy. Identifiers: Orphanet 257, MedGen C2931072, MONDO:0009181, OMIM 226670.

Allele frequency attached by ClinVar (database versions not stated): gnomAD exomes 0.00001.
gnomAD v4.1: 14 of 1,599,418 alleles (0.00088%); highest among the groups gnomAD compares: East Asian, 0.0067%; no homozygotes.

Submission:

Labcorp Genetics (formerly Invitae), Labcorp
Classification: Uncertain significance for Autosomal recessive limb-girdle muscular dystrophy type 2Q; Epidermolysis bullosa simplex, Ogna type; Epidermolysis bullosa simplex with nail dystrophy; Epidermolysis bullosa simplex 5C, with pyloric atresia; Epidermolysis bullosa simplex 5B, with muscular dystrophy. Last evaluated: 2023-12-25. Review status: criteria provided, single submitter. Criteria: Invitae Variant Classification Sherloc (09022015). Collection method: clinical testing. Allele origin: germline.
Comment: This sequence change replaces glutamic acid, which is acidic and polar, with lysine, which is basic and polar, at codon 984 of the PLEC protein (p.Glu984Lys). This variant is present in population databases (no rsID available, gnomAD 0.001%). This variant has not been reported in the literature in individuals affected with PLEC-related conditions. Advanced modeling of protein sequence and biophysical properties (such as structural, functional, and spatial information, amino acid conservation, physicochemical variation, residue mobility, and thermodynamic stability) performed at Invitae indicates that this missense variant is not expected to disrupt PLEC protein function with a negative predictive value of 80%. In summary, the available evidence is currently insufficient to determine the role of this variant in disease. Therefore, it has been classified as a Variant of Uncertain Significance.

NM_201384.3(PLEC):c.2869G>A (p.Glu957Lys)

Gene: PLEC (plectin; minus strand). Cytogenetic location: 8q24.3.
Variant type: single nucleotide variant.
Coding change: c.2869G>A on transcript NM_201384.3 (MANE Select); coding-DNA position 2869, G replaced by A.
Protein change: p.Glu957Lys; replaces glutamic acid 957 with lysine.
Molecular consequence: missense variant.
Genome position (GRCh38, 1-based): chr8:143,929,700, C>T on the plus strand (G>A on the coding strand, the complement: PLEC is on the minus strand). VCF-style: chr8-143929700-C-T. GRCh37 (hg19) VCF-style: chr8-145003868-C-T.
Other names: c.2950G>A, p.Glu984Lys (NM_000445.5, NM_001410941.1); c.2827G>A, p.Glu943Lys (NM_201378.4); c.2803G>A, p.Glu935Lys (NM_201379.3); c.3280G>A, p.Glu1094Lys (NM_201380.4); c.2773G>A, p.Glu925Lys (NM_201381.3); c.2869G>A, p.Glu957Lys (NM_201382.4); c.2881G>A, p.Glu961Lys (NM_201383.3); short protein forms E1094K, E957K, E984K, E935K, E925K, E943K, E961K.
Identifiers: ClinVar variation 2933889 (VCV002933889.3), dbSNP rs1554711652, ClinGen allele CA372570922.
Genomic context (GRCh38, chr8:143,929,700, plus strand): 5'-CCCTACCCTGTTCCAGGCTCTGCAGCAGCTGCTGGTAGTGGTGGCTGCAGGAGCCGTACT[C>T]GCGCTCAGCCATCAGCCGGTCCTCGGGTCCGAAGCCGCCCGCGTCCTGGCTGTCCCGCAG-3'
Protein context (NP_958786.1, residues 947-967): GPEDRLMAER[Glu957Lys]YGSCSHHYQQ